The following is an entry in ClinVar:

ClinVar aggregate classification (germline): Uncertain significance. Review status: criteria provided, multiple submitters, no conflicts (2 of 4 stars). 8 submissions from 6 submitters: Uncertain significance (8). Last evaluated 2025-11-06.

Conditions:
Central core myopathy (CMYO1A). Also called: Central core disease; Myopathy, central fibrillar; CONGENITAL MYOPATHY 1A, AUTOSOMAL DOMINANT, WITH SUSCEPTIBILITY TO MALIGNANT HYPERTHERMIA. Identifiers: Orphanet 597, MedGen C5830701, MONDO:0007294, OMIM 117000.
Malignant hyperthermia, susceptibility to, 1 (MHS1). Also called: Anesthesia related hyperthermia; Malignant hyperpyrexia; Fulminating hyperpyrexia; Pharmacogenic myopathy; RYR1-Related Malignant Hyperthermia Susceptibility; Malignant hyperthermia suceptibility 1. Identifiers: Orphanet 423, MedGen C2930980, MONDO:0007783, OMIM 145600.
Congenital multicore myopathy with external ophthalmoplegia (CMYO1B). Also called: MULTICORE MYOPATHY; Minicore myopathy with external ophthalmoplegia; Congenital myopathy 1B, autosomal recessive; Minicore myopathy; MULTIMINICORE DISEASE WITH EXTERNAL OPHTHALMOPLEGIA. Identifiers: Orphanet 598, Orphanet 98905, MedGen C1850674, MONDO:0009712, OMIM 255320, HP:0003789.
Congenital myopathy with fiber type disproportion. Also called: Congenital fiber-type disproportion; Congenital fiber-type disproportion myopathy. Identifiers: Orphanet 2020, MedGen C0546264, MONDO:0009711. Inheritance: all.
King Denborough syndrome (KDS). Identifiers: MedGen C1840365, MONDO:0020485, OMIM 619542.
RYR1-related disorder. Also called: RYR1-related condition; RYR1-related disorders. Identifiers: MedGen CN239331.

Allele frequency attached by ClinVar (database versions not stated): gnomAD exomes 0.00001; ExAC 0.00002.

Submissions (8):

Color Diagnostics, LLC DBA Color Health
Classification: Uncertain significance for Malignant hyperthermia, susceptibility to, 1. Last evaluated: 2025-11-06. Review status: criteria provided, single submitter. Criteria: ACMG Guidelines, 2015. Collection method: clinical testing. Allele origin: germline.
Comment: This missense variant replaces aspartic acid with asparagine at codon 2605 of the RYR1 protein. Computational prediction is inconclusive regarding the impact of this variant on protein structure and function. To our knowledge, functional studies have not been reported for this variant. This variant has not been reported in individuals affected with RYR1-related disorders in the literature. This variant has been identified in 2/246612 chromosomes in the general population by the Genome Aggregation Database (gnomAD). The available evidence is insufficient to determine the role of this variant in disease conclusively. Therefore, this variant is classified as a Variant of Uncertain Significance.

Labcorp Genetics (formerly Invitae), Labcorp
Classification: Uncertain significance for RYR1-related disorder. Last evaluated: 2025-10-09. Review status: criteria provided, single submitter. Criteria: Invitae Variant Classification Sherloc (09022015). Collection method: clinical testing. Allele origin: germline.
Comment: This sequence change replaces aspartic acid, which is acidic and polar, with asparagine, which is neutral and polar, at codon 2605 of the RYR1 protein (p.Asp2605Asn). This variant is present in population databases (rs754339645, gnomAD 0.005%). This missense change has been observed in individual(s) with myopathy (PMID: 32236737). ClinVar contains an entry for this variant (Variation ID: 329068). Invitae Evidence Modeling of protein sequence and biophysical properties (such as structural, functional, and spatial information, amino acid conservation, physicochemical variation, residue mobility, and thermodynamic stability) indicates that this missense variant is not expected to disrupt RYR1 protein function with a negative predictive value of 80%. In summary, the available evidence is currently insufficient to determine the role of this variant in disease. Therefore, it has been classified as a Variant of Uncertain Significance.

All of Us Research Program, National Institutes of Health
Classification: Uncertain significance for Malignant hyperthermia, susceptibility to, 1. Last evaluated: 2024-09-23. Review status: criteria provided, single submitter. Criteria: ACMG Guidelines, 2015. Collection method: clinical testing. Allele origin: germline. Inheritance: Autosomal dominant inheritance. Observed: 8 variant alleles, 8 heterozygotes.
Comment: This missense variant replaces aspartic acid with asparagine at codon 2605 of the RYR1 protein. Computational prediction is inconclusive regarding the impact of this variant on protein structure and function (internally defined REVEL score threshold 0.5 < inconclusive < 0.7, PMID: 27666373). To our knowledge, functional studies have not been reported for this variant. This variant has not been reported in individuals affected with RYR1-related disorders in the literature. This variant has been identified in 2/246612 chromosomes in the general population by the Genome Aggregation Database (gnomAD). The available evidence is insufficient to determine the role of this variant in disease conclusively. Therefore, this variant is classified as a Variant of Uncertain Significance.

This study involves interpretation of variants in research participants for the purpose of population health screening. Participant phenotype was not available at the time of variant classification. Additional details can be found in publication PMID: 35346344, PMCID: PMC8962531

Fulgent Genetics
Classification: Uncertain significance for Central core myopathy; Malignant hyperthermia, susceptibility to, 1; Congenital myopathy 4A, autosomal dominant; Congenital multicore myopathy with external ophthalmoplegia; King Denborough syndrome. Last evaluated: 2021-08-03. Review status: criteria provided, single submitter. Criteria: ACMG Guidelines, 2015. Collection method: clinical testing. Allele origin: unknown.

Illumina Laboratory Services, Illumina
Classification: Uncertain significance for Central core myopathy. Last evaluated: 2018-01-12. Review status: criteria provided, single submitter. Criteria: ICSL Variant Classification Criteria 13 December 2019. Collection method: clinical testing. Allele origin: germline.

Illumina Laboratory Services, Illumina
Classification: Uncertain significance for Congenital multicore myopathy with external ophthalmoplegia. Last evaluated: 2018-01-12. Review status: criteria provided, single submitter. Criteria: ICSL Variant Classification Criteria 13 December 2019. Collection method: clinical testing. Allele origin: germline.

Illumina Laboratory Services, Illumina
Classification: Uncertain significance for Malignant hyperthermia, susceptibility to, 1. Last evaluated: 2018-01-12. Review status: criteria provided, single submitter. Criteria: ICSL Variant Classification Criteria 13 December 2019. Collection method: clinical testing. Allele origin: germline.

PreventionGenetics, part of Exact Sciences
Classification: Uncertain significance. Last evaluated: 2017-02-03. Review status: criteria provided, single submitter. Criteria: ACMG Guidelines, 2015. Collection method: clinical testing. Allele origin: germline.

Literature cited by the submitters: PubMed 32236737 (cited by Labcorp Genetics (formerly Invitae), Labcorp).

NM_000540.3(RYR1):c.7813G>A (p.Asp2605Asn)

Gene: RYR1 (ryanodine receptor 1; plus strand). Cytogenetic location: 19q13.2.
Variant type: single nucleotide variant.
Coding change: c.7813G>A on transcript NM_000540.3 (MANE Select); coding-DNA position 7813, G replaced by A.
Protein change: p.Asp2605Asn; replaces aspartic acid 2605 with asparagine.
Molecular consequence: missense variant.
Genome position (GRCh38, 1-based): chr19:38,502,705, G>A. VCF-style: chr19-38502705-G-A. GRCh37 (hg19) VCF-style: chr19-38993345-G-A.
Other names: c.7813G>A, p.Asp2605Asn (NM_001042723.2); short protein forms D2605N.
Identifiers: ClinVar variation 329068 (VCV000329068.18), dbSNP rs754339645, ClinGen allele CA070324.